The following is an entry in ClinVar:

NM_000466.3(PEX1):c.1962G>A (p.Met654Ile)

Gene: PEX1 (peroxisomal biogenesis factor 1; minus strand). Cytogenetic location: 7q21.2.
Variant type: single nucleotide variant.
Coding change: c.1962G>A on transcript NM_000466.3 (MANE Select); coding-DNA position 1962, G replaced by A.
Protein change: p.Met654Ile; replaces methionine 654 with isoleucine.
Molecular consequence: missense variant. On other transcripts: intron variant (1).
Genome position (GRCh38, 1-based): chr7:92,504,841, C>T on the plus strand (G>A on the coding strand, the complement: PEX1 is on the minus strand). VCF-style: chr7-92504841-C-T. GRCh37 (hg19) VCF-style: chr7-92134155-C-T.
Other names: c.1338G>A, p.Met446Ile (NM_001282678.2); c.1900+1407G>A (NM_001282677.2); short protein forms M446I, M654I.
Identifiers: ClinVar variation 2163833 (VCV002163833.1), dbSNP rs1792105386, ClinGen allele CA368183737.

ClinVar aggregate classification (germline): Uncertain significance (1 of 4 stars; one submission).

Conditions:
Zellweger spectrum disorders (ZS). Also called: Zellweger Spectrum Disorder (ZSD); Zellweger syndrome; Zellweger Spectrum Disorder; Zellweger Spectrum. Identifiers: Orphanet 912, MedGen C0043459, MONDO:0019609.

Allele frequency attached by ClinVar (database versions not stated): gnomAD exomes below 0.00001; TOPMed below 0.00001.

Submission:

Labcorp Genetics (formerly Invitae), Labcorp
Classification: Uncertain significance for Zellweger spectrum disorders. Last evaluated: 2022-04-24. Review status: criteria provided, single submitter. Criteria: Invitae Variant Classification Sherloc (09022015). Collection method: clinical testing. Allele origin: germline.
Comment: This sequence change replaces methionine, which is neutral and non-polar, with isoleucine, which is neutral and non-polar, at codon 654 of the PEX1 protein (p.Met654Ile). This variant is not present in population databases (gnomAD no frequency). This variant has not been reported in the literature in individuals affected with PEX1-related conditions. Advanced modeling of protein sequence and biophysical properties (such as structural, functional, and spatial information, amino acid conservation, physicochemical variation, residue mobility, and thermodynamic stability) performed at Invitae indicates that this missense variant is not expected to disrupt PEX1 protein function. In summary, the available evidence is currently insufficient to determine the role of this variant in disease. Therefore, it has been classified as a Variant of Uncertain Significance.